The following is an entry in ClinVar:

NM_000321.3(RB1):c.2654C>A (p.Ala885Glu)

Gene: RB1 (RB transcriptional corepressor 1; plus strand). Cytogenetic location: 13q14.2.
Variant type: single nucleotide variant.
Coding change: c.2654C>A on transcript NM_000321.3 (MANE Select); coding-DNA position 2654, C replaced by A.
Protein change: p.Ala885Glu; replaces alanine 885 with glutamic acid.
Molecular consequence: missense variant.
Genome position (GRCh38, 1-based): chr13:48,476,834, C>A. VCF-style: chr13-48476834-C-A. GRCh37 (hg19) VCF-style: chr13-49050970-C-A.
Other names: short protein forms A885E.
Identifiers: ClinVar variation 575569 (VCV000575569.9), dbSNP rs758494086, ClinGen allele CA036675.

ClinVar aggregate classification (germline): Uncertain significance. Review status: criteria provided, multiple submitters, no conflicts (2 of 4 stars). 2 submissions from 2 submitters: Uncertain significance (2). Last evaluated 2025-12-04.

Conditions:
Retinoblastoma (RB1). Also called: RETINOBLASTOMA, SOMATIC. Identifiers: Orphanet 790, MedGen C0035335, MeSH D012175, MONDO:0008380, OMIM 180200, HP:0009919. Disease mechanism: loss of function. Inheritance: Both sporadic and heritable forms are tested..
Hereditary cancer-predisposing syndrome. Also called: Tumor predisposition; Hereditary neoplastic syndrome; Hereditary Cancer Syndrome; Neoplastic Syndromes, Hereditary. Identifiers: Orphanet 140162, MedGen C0027672, MeSH D009386, MONDO:0015356.

Allele frequency attached by ClinVar (database versions not stated): gnomAD exomes below 0.00001; ExAC 0.00001.
gnomAD v4.1: 1 of 1,613,528 alleles (0.000062%); highest among the groups gnomAD compares: Non-Finnish European, 0.000085%; no homozygotes.

Submissions (2):

Ambry Genetics
Classification: Uncertain significance for Hereditary cancer-predisposing syndrome. Last evaluated: 2025-12-04. Review status: criteria provided, single submitter. Criteria: Ambry Variant Classification Scheme 2023. Collection method: clinical testing. Allele origin: germline.
Comment: The p.A885E variant (also known as c.2654C>A), located in coding exon 25 of the RB1 gene, results from a C to A substitution at nucleotide position 2654. The alanine at codon 885 is replaced by glutamic acid, an amino acid with dissimilar properties. This amino acid position is highly conserved in available vertebrate species. In addition, the in silico prediction for this alteration is inconclusive. Based on the available evidence, the clinical significance of this variant remains unclear.

Labcorp Genetics (formerly Invitae), Labcorp
Classification: Uncertain significance for Retinoblastoma. Last evaluated: 2024-10-28. Review status: criteria provided, single submitter. Criteria: Invitae Variant Classification Sherloc (09022015). Collection method: clinical testing. Allele origin: germline.
Comment: This sequence change replaces alanine, which is neutral and non-polar, with glutamic acid, which is acidic and polar, at codon 885 of the RB1 protein (p.Ala885Glu). This variant is present in population databases (rs758494086, gnomAD 0.0009%). This variant has not been reported in the literature in individuals affected with RB1-related conditions. ClinVar contains an entry for this variant (Variation ID: 575569). Invitae Evidence Modeling of protein sequence and biophysical properties (such as structural, functional, and spatial information, amino acid conservation, physicochemical variation, residue mobility, and thermodynamic stability) has been performed for this missense variant. However, the output from this modeling did not meet the statistical confidence thresholds required to predict the impact of this variant on RB1 protein function. In summary, the available evidence is currently insufficient to determine the role of this variant in disease. Therefore, it has been classified as a Variant of Uncertain Significance.